The following is an entry in ClinVar:

NM_005751.5(AKAP9):c.2084T>C (p.Leu695Ser)

Gene: AKAP9 (A-kinase anchoring protein 9; plus strand). Cytogenetic location: 7q21.2.
Variant type: single nucleotide variant.
Coding change: c.2084T>C on transcript NM_005751.5 (MANE Select); coding-DNA position 2084, T replaced by C.
Protein change: p.Leu695Ser; replaces leucine 695 with serine.
Molecular consequence: missense variant.
Genome position (GRCh38, 1-based): chr7:92,002,001, T>C. VCF-style: chr7-92002001-T-C. GRCh37 (hg19) VCF-style: chr7-91631315-T-C.
Other names: c.2084T>C, p.Leu695Ser (NM_147185.3); short protein forms L695S.
Identifiers: ClinVar variation 1003610 (VCV001003610.8), dbSNP rs1393038162, ClinGen allele CA368123293.

ClinVar aggregate classification (germline): Uncertain significance (1 of 4 stars; one submission).

Conditions:
Long QT syndrome (LQTS). Identifiers: MedGen C0023976, MeSH D008133, MONDO:0002442. Disease mechanism: loss of function. Inheritance: Various modes of inheritance.

Allele frequency attached by ClinVar (database versions not stated): gnomAD exomes below 0.00001; TOPMed below 0.00001.
gnomAD v4.1: 2 of 1,611,698 alleles (0.00012%); highest among the groups gnomAD compares: Non-Finnish European, 0.00017%; no homozygotes.

Submission:

Labcorp Genetics (formerly Invitae), Labcorp
Classification: Uncertain significance for Long QT syndrome. Last evaluated: 2022-02-03. Review status: criteria provided, single submitter. Criteria: Invitae Variant Classification Sherloc (09022015). Collection method: clinical testing. Allele origin: germline.
Comment: In summary, the available evidence is currently insufficient to determine the role of this variant in disease. Therefore, it has been classified as a Variant of Uncertain Significance. Algorithms developed to predict the effect of missense changes on protein structure and function are either unavailable or do not agree on the potential impact of this missense change (SIFT: "Deleterious"; PolyPhen-2: "Probably Damaging"; Align-GVGD: "Class C0"). ClinVar contains an entry for this variant (Variation ID: 1003610). This variant has not been reported in the literature in individuals affected with AKAP9-related conditions. This variant is not present in population databases (gnomAD no frequency). This sequence change replaces leucine, which is neutral and non-polar, with serine, which is neutral and polar, at codon 695 of the AKAP9 protein (p.Leu695Ser).